The following is an entry in ClinVar:

NM_177438.3(DICER1):c.5306T>C (p.Ile1769Thr)

Gene: DICER1 (dicer 1, ribonuclease III; minus strand). Cytogenetic location: 14q32.13.
Variant type: single nucleotide variant.
Coding change: c.5306T>C on transcript NM_177438.3 (MANE Select); coding-DNA position 5306, T replaced by C.
Protein change: p.Ile1769Thr; replaces isoleucine 1769 with threonine.
Molecular consequence: missense variant. On other transcripts: non-coding transcript variant (6).
Genome position (GRCh38, 1-based): chr14:95,093,946, A>G on the plus strand (T>C on the coding strand, the complement: DICER1 is on the minus strand). VCF-style: chr14-95093946-A-G. GRCh37 (hg19) VCF-style: chr14-95560283-A-G.
Other names: c.5306T>C, p.Ile1769Thr (NM_001195573.1, NM_001271282.3, NM_001291628.2 and 8 more transcripts); c.5024T>C, p.Ile1675Thr (NM_001395686.1); c.4901T>C, p.Ile1634Thr (NM_001395687.1, NM_001395688.1, NM_001395689.1 and 1 more transcripts); c.4739T>C, p.Ile1580Thr (NM_001395691.1); c.3623T>C, p.Ile1208Thr (NM_001395697.1); short protein forms I1634T, I1675T, I1580T, I1208T, I1769T.
Identifiers: ClinVar variation 4746394 (VCV004746394.1).

ClinVar aggregate classification (germline): Uncertain significance (1 of 4 stars; one submission).

Conditions:
DICER1-related tumor predisposition. Also called: DICER1-related pleuropulmonary blastoma cancer predisposition syndrome; DICER1 syndrome. Identifiers: Orphanet 284343, MedGen C3839822, MONDO:0100216.

Submission:

Labcorp Genetics (formerly Invitae), Labcorp
Classification: Uncertain significance for DICER1-related tumor predisposition. Last evaluated: 2025-09-30. Review status: criteria provided, single submitter. Criteria: Invitae Variant Classification Sherloc (09022015). Collection method: clinical testing. Allele origin: germline.
Comment: This sequence change replaces isoleucine, which is neutral and non-polar, with threonine, which is neutral and polar, at codon 1769 of the DICER1 protein (p.Ile1769Thr). This variant is not present in population databases (gnomAD no frequency). This variant has not been reported in the literature in individuals affected with DICER1-related conditions. Invitae Evidence Modeling of protein sequence and biophysical properties (such as structural, functional, and spatial information, amino acid conservation, physicochemical variation, residue mobility, and thermodynamic stability) indicates that this missense variant is not expected to disrupt DICER1 protein function with a negative predictive value of 95%. In summary, the available evidence is currently insufficient to determine the role of this variant in disease. Therefore, it has been classified as a Variant of Uncertain Significance.